The following is an entry in ClinVar:

ClinVar aggregate classification (germline): Uncertain significance (1 of 4 stars; one submission).

Conditions:
Inborn genetic diseases. Identifiers: MedGen C0950123, MeSH D030342.

Submission:

Ambry Genetics
Classification: Uncertain significance for Inborn genetic diseases. Last evaluated: 2020-06-30. Review status: criteria provided, single submitter. Criteria: Ambry Variant Classification Scheme 2023. Collection method: clinical testing. Allele origin: germline.
Comment: The c.9264-4T>A intronic variant results from a T to A substitution 4 nucleotides upstream from coding exon 48 in the DYNC1H1 gene. This nucleotide position is not well conserved in available vertebrate species. Using the BDGP and ESEfinder splice site prediction tools, this alteration is not predicted to have any significant effect on this splice acceptor site; however, direct evidence is unavailable. Since supporting evidence is limited at this time, the clinical significance of this alteration remains unclear.

NM_001376.5(DYNC1H1):c.9264-4T>A

Genes: DYNC1H1 (dynein cytoplasmic 1 heavy chain 1; plus strand), LOC126862060 (BRD4-independent group 4 enhancer GRCh37_chr14:102493659-102494858; plus strand). Cytogenetic location: 14q32.31.
Variant type: single nucleotide variant.
Coding change: c.9264-4T>A on transcript NM_001376.5 (MANE Select); 4 bases into the intron before coding-DNA position 9264, T replaced by A.
Molecular consequence: intron variant.
Genome position (GRCh38, 1-based): chr14:102,027,933, T>A. VCF-style: chr14-102027933-T-A. GRCh37 (hg19) VCF-style: chr14-102494270-T-A.
Identifiers: ClinVar variation 1766381 (VCV001766381.2), dbSNP rs2503805729, ClinGen allele CA2580088453.